The following is an entry in ClinVar:

NM_020631.6(PLEKHG5):c.1064T>C (p.Leu355Pro)

Gene: PLEKHG5 (pleckstrin homology and RhoGEF domain containing G5; minus strand). Cytogenetic location: 1p36.31.
Variant type: single nucleotide variant.
Coding change: c.1064T>C on transcript NM_020631.6 (MANE Select); coding-DNA position 1064, T replaced by C.
Protein change: p.Leu355Pro; replaces leucine 355 with proline.
Molecular consequence: missense variant.
Genome position (GRCh38, 1-based): chr1:6,472,543, A>G on the plus strand (T>C on the coding strand, the complement: PLEKHG5 is on the minus strand). VCF-style: chr1-6472543-A-G. GRCh37 (hg19) VCF-style: chr1-6532603-A-G.
Other names: c.1175T>C, p.Leu392Pro (NM_001042663.3, NM_001265592.2); c.1064T>C, p.Leu355Pro (NM_001042664.2, NM_001042665.2, NM_001265594.3 and 1 more transcripts); c.1271T>C, p.Leu424Pro (NM_001265593.2); short protein forms L355P, L424P, L392P.
Identifiers: ClinVar variation 1348594 (VCV001348594.6), dbSNP rs372001535, ClinGen allele CA17241041.

ClinVar aggregate classification (germline): Uncertain significance (1 of 4 stars; one submission).

Conditions:
Neuronopathy, distal hereditary motor, autosomal recessive 4. Also called: Autosomal recessive lower motor neuron disease with childhood onset; NEUROPATHY, DISTAL HEREDITARY MOTOR, AUTOSOMAL RECESSIVE 4. Identifiers: Orphanet 206580, MedGen C1970211, MONDO:0012608, OMIM 611067.
Charcot-Marie-Tooth disease recessive intermediate C. Also called: CHARCOT-MARIE-TOOTH NEUROPATHY, RECESSIVE INTERMEDIATE C. Identifiers: Orphanet 369867, MedGen C3809309, MONDO:0014154, OMIM 615376.

Allele frequency attached by ClinVar (database versions not stated): TOPMed 0.00001; ESP Exome Variant Server 0.00008.
gnomAD v4.1: 3 of 1,612,732 alleles (0.00019%); highest among the groups gnomAD compares: Non-Finnish European, 0.00025%; no homozygotes.

Submission:

Labcorp Genetics (formerly Invitae), Labcorp
Classification: Uncertain significance for Neuronopathy, distal hereditary motor, autosomal recessive 4; Charcot-Marie-Tooth disease recessive intermediate C. Last evaluated: 2021-08-21. Review status: criteria provided, single submitter. Criteria: Invitae Variant Classification Sherloc (09022015). Collection method: clinical testing. Allele origin: germline.
Comment: This sequence change replaces leucine with proline at codon 355 of the PLEKHG5 protein (p.Leu355Pro). The leucine residue is highly conserved and there is a moderate physicochemical difference between leucine and proline. This variant is not present in population databases (ExAC no frequency). This variant has not been reported in the literature in individuals affected with PLEKHG5-related conditions. Algorithms developed to predict the effect of missense changes on protein structure and function are either unavailable or do not agree on the potential impact of this missense change (SIFT: "Deleterious"; PolyPhen-2: "Probably Damaging"; Align-GVGD: "Class C0"). In summary, the available evidence is currently insufficient to determine the role of this variant in disease. Therefore, it has been classified as a Variant of Uncertain Significance.